The following is an entry in ClinVar:

NM_033109.5(PNPT1):c.16T>A (p.Tyr6Asn)

Genes: PNPT1 (polyribonucleotide nucleotidyltransferase 1; minus strand), LOC129933771 (ATAC-STARR-seq lymphoblastoid active region 15786; plus strand). Cytogenetic location: 2p16.1.
Variant type: single nucleotide variant.
Coding change: c.16T>A on transcript NM_033109.5 (MANE Select); coding-DNA position 16, T replaced by A.
Protein change: p.Tyr6Asn; replaces tyrosine 6 with asparagine.
Molecular consequence: missense variant.
Genome position (GRCh38, 1-based): chr2:55,693,808, A>T on the plus strand (T>A on the coding strand, the complement: PNPT1 is on the minus strand). VCF-style: chr2-55693808-A-T. GRCh37 (hg19) VCF-style: chr2-55920943-A-T.
Other names: c.16T>A (NM_033109.4); short protein forms Y6N.
Identifiers: ClinVar variation 1497689 (VCV001497689.7), dbSNP rs919792111, ClinGen allele CA47667729.
Genomic context (GRCh38, chr2:55,693,808, plus strand): 5'-GCCGTGGCAGAAGGAAAGGACCATCGCTCAGGGGCCGGAGCCGGAGGCACGAGCAGCAGT[A>T]CCTGCAGGCCGCCATGACACCCGGCACGCGGTCAACGCAGGCTGTGCCCTGATTGGCTCA-3'
Protein context (NP_149100.2, residues 1-16): MAACR[Tyr6Asn]CCSCLRLRPL

ClinVar aggregate classification (germline): Uncertain significance. Review status: criteria provided, multiple submitters, no conflicts (2 of 4 stars). 2 submissions from 2 submitters: Uncertain significance (2). Last evaluated 2024-03-27.

Allele frequency attached by ClinVar (database versions not stated): gnomAD 0.00001; gnomAD exomes 0.00001; TOPMed 0.00001.
gnomAD v4.1: 19 of 1,613,618 alleles (0.0012%); highest among the groups gnomAD compares: Non-Finnish European, 0.0015%; no homozygotes.

Submissions (2):

GeneDx
Classification: Uncertain significance. Last evaluated: 2024-03-27. Review status: criteria provided, single submitter. Criteria: GeneDx Variant Classification Process June 2021. Collection method: clinical testing. Allele origin: germline. Affected: yes.
Comment: Has not been previously published as pathogenic or benign to our knowledge; Not observed at significant frequency in large population cohorts (gnomAD); In silico analysis supports that this missense variant does not alter protein structure/function

Labcorp Genetics (formerly Invitae), Labcorp
Classification: Uncertain significance. Last evaluated: 2021-02-19. Review status: criteria provided, single submitter. Criteria: Invitae Variant Classification Sherloc (09022015). Collection method: clinical testing. Allele origin: germline.
Comment: In summary, the available evidence is currently insufficient to determine the role of this variant in disease. Therefore, it has been classified as a Variant of Uncertain Significance. Advanced modeling of protein sequence and biophysical properties (such as structural, functional, and spatial information, amino acid conservation, physicochemical variation, residue mobility, and thermodynamic stability) performed at Invitae indicates that this missense variant is not expected to disrupt PNPT1 protein function. This variant has not been reported in the literature in individuals with PNPT1-related conditions. This variant is not present in population databases (ExAC no frequency). This sequence change replaces tyrosine with asparagine at codon 6 of the PNPT1 protein (p.Tyr6Asn). The tyrosine residue is weakly conserved and there is a large physicochemical difference between tyrosine and asparagine.